The following is an entry in ClinVar:

NM_014176.4(UBE2T):c.345G>C (p.Met115Ile)

Gene: UBE2T (ubiquitin conjugating enzyme E2 T; minus strand). Cytogenetic location: 1q32.1.
Variant type: single nucleotide variant.
Coding change: c.345G>C on transcript NM_014176.4 (MANE Select); coding-DNA position 345, G replaced by C.
Protein change: p.Met115Ile; replaces methionine 115 with isoleucine.
Molecular consequence: missense variant.
Genome position (GRCh38, 1-based): chr1:202,333,276, C>G on the plus strand (G>C on the coding strand, the complement: UBE2T is on the minus strand). VCF-style: chr1-202333276-C-G. GRCh37 (hg19) VCF-style: chr1-202302404-C-G.
Other names: c.255G>C, p.Met85Ile (NM_001310326.2); short protein forms M115I, M85I.
Identifiers: ClinVar variation 2129574 (VCV002129574.4), dbSNP rs2527050250, ClinGen allele CA344254528.
Genomic context (GRCh38, chr1:202,333,276, plus strand): 5'-GAGGAAAATGGGGATATTTACTATGTCAGCCATGAGCGGGTCATCAGGGTTGGGTTCTGA[C>G]ATGAGCAGCTGAATAGAGGTCAACACAGTTGCGATGTTGAGGGATGGTCTCCAAGCACCC-3'
Protein context (NP_054895.1, residues 105-125): ATVLTSIQLL[Met115Ile]SEPNPDDPLM

ClinVar aggregate classification (germline): Uncertain significance (1 of 4 stars; one submission).

Submission:

Labcorp Genetics (formerly Invitae), Labcorp
Classification: Uncertain significance. Last evaluated: 2024-08-05. Review status: criteria provided, single submitter. Criteria: Invitae Variant Classification Sherloc (09022015). Collection method: clinical testing. Allele origin: germline.
Comment: This sequence change replaces methionine, which is neutral and non-polar, with isoleucine, which is neutral and non-polar, at codon 115 of the UBE2T protein (p.Met115Ile). This variant is not present in population databases (gnomAD no frequency). This variant has not been reported in the literature in individuals affected with UBE2T-related conditions. ClinVar contains an entry for this variant (Variation ID: 2129574). An algorithm developed to predict the effect of missense changes on protein structure and function (PolyPhen-2) suggests that this variant is likely to be disruptive. In summary, the available evidence is currently insufficient to determine the role of this variant in disease. Therefore, it has been classified as a Variant of Uncertain Significance.